The following is an entry in ClinVar:

NM_015512.5(DNAH1):c.436del (p.Gln146fs)

Gene: DNAH1 (dynein axonemal heavy chain 1; plus strand). Cytogenetic location: 3p21.1.
Variant type: Deletion.
Coding change: c.436del on transcript NM_015512.5 (MANE Select); coding-DNA position 436, one base deleted (C; older notation c.436delC).
Protein change: p.Gln146fs; shifts the reading frame from glutamine 146.
Molecular consequence: frameshift variant.
Genome position (GRCh38, 1-based): chr3:52,326,169, C deleted; the last of 2 consecutive C bases (chr3:52,326,168-52,326,169); deleting either gives the same sequence. VCF-style (leftmost placement, unchanged base first): chr3-52326167-TC-T. GRCh37 (hg19) VCF-style: chr3-52360183-TC-T.
Other names: short protein forms Q146fs.
Identifiers: ClinVar variation 856113 (VCV000856113.7), dbSNP rs1701330284, ClinGen allele CA916082578.
Genomic context (GRCh38, chr3:52,326,167, plus strand): 5'-CCCTGAAGCCCCTGCCCCTGCTTCTACCTGCAGTCGGAAGCTTTGAGGTTCCTGAAGACT[TC>T]CAGGAGCGCATGGAGCAGCAGTGCATCGGGTCCACCACCCGGCTGCTCGCCCAGACTGAC-3'

ClinVar aggregate classification (germline): Pathogenic (1 of 4 stars; one submission).

Conditions:
Ciliary dyskinesia, primary, 37 (CILD37). Also called: CILIARY DYSKINESIA, PRIMARY, 37, WITH OR WITHOUT SITUS INVERSUS. Identifiers: MedGen C4539798, MONDO:0033204, OMIM 617577.
Spermatogenic failure 18. Identifiers: MedGen C4539783, MONDO:0054615, OMIM 617576.

Submission:

Labcorp Genetics (formerly Invitae), Labcorp
Classification: Pathogenic for Ciliary dyskinesia, primary, 37; Spermatogenic failure 18. Last evaluated: 2019-11-26. Review status: criteria provided, single submitter. Criteria: Invitae Variant Classification Sherloc (09022015). Collection method: clinical testing. Allele origin: germline.
Comment: For these reasons, this variant has been classified as Pathogenic. Loss-of-function variants in DNAH1 are known to be pathogenic (PMID: 27573432, 27798045). This variant has not been reported in the literature in individuals with DNAH1-related conditions. This variant is not present in population databases (ExAC no frequency). This sequence change creates a premature translational stop signal (p.Gln146Argfs*55) in the DNAH1 gene. It is expected to result in an absent or disrupted protein product.

Literature cited by the submitters: PubMed 27573432; PubMed 27798045.